The following is an entry in ClinVar:

NM_000051.4(ATM):c.5875G>T (p.Glu1959Ter)

Genes: C11orf65 (chromosome 11 open reading frame 65; minus strand), ATM (ATM serine/threonine kinase; plus strand). Cytogenetic location: 11q22.3.
Variant type: single nucleotide variant.
Coding change: c.5875G>T on transcript NM_000051.4 (MANE Select); coding-DNA position 5875, G replaced by T.
Protein change: p.Glu1959Ter; replaces glutamic acid 1959 with a stop codon.
Molecular consequence: nonsense. On other transcripts: intron variant (2).
Genome position (GRCh38, 1-based): chr11:108,310,272, G>T. VCF-style: chr11-108310272-G-T. GRCh37 (hg19) VCF-style: chr11-108180999-G-T.
Other names: c.5875G>T, p.Glu1959Ter (NM_001351834.2); c.641-1201C>A (NM_001330368.2); c.*39-1201C>A (NM_001351110.2); short protein forms E1959*.
Identifiers: ClinVar variation 1750217 (VCV001750217.2), dbSNP rs2136017422, ClinGen allele CA382548513.

ClinVar aggregate classification (germline): Pathogenic (1 of 4 stars; one submission).

Conditions:
Hereditary cancer-predisposing syndrome. Also called: Hereditary neoplastic syndrome; Neoplastic Syndromes, Hereditary; Tumor predisposition; Hereditary Cancer Syndrome. Identifiers: Orphanet 140162, MedGen C0027672, MeSH D009386, MONDO:0015356.

Submission:

Ambry Genetics
Classification: Pathogenic for Hereditary cancer-predisposing syndrome. Last evaluated: 2019-06-05. Review status: criteria provided, single submitter. Criteria: Ambry Variant Classification Scheme 2023. Collection method: clinical testing. Allele origin: germline.
Comment: The p.E1959* pathogenic mutation (also known as c.5875G>T), located in coding exon 38 of the ATM gene, results from a G to T substitution at nucleotide position 5875. This changes the amino acid from a glutamic acid to a stop codon within coding exon 38. This alteration is expected to result in loss of function by premature protein truncation or nonsense-mediated mRNA decay. As such, this alteration is interpreted as a disease-causing mutation.